The following is an entry in ClinVar:

ClinVar aggregate classification (germline): Uncertain significance. Review status: criteria provided, multiple submitters, no conflicts (2 of 4 stars). 2 submissions from 2 submitters: Uncertain significance (2). Last evaluated 2025-04-28.

Conditions:
Hereditary cancer-predisposing syndrome. Also called: Tumor predisposition; Hereditary neoplastic syndrome; Hereditary Cancer Syndrome; Neoplastic Syndromes, Hereditary. Identifiers: Orphanet 140162, MedGen C0027672, MeSH D009386, MONDO:0015356.

Allele frequency attached by ClinVar (database versions not stated): TOPMed below 0.00001; gnomAD 0.00001.
gnomAD v4.1: 1 of 1,614,060 alleles (0.000062%); highest among the groups gnomAD compares: African/African-American, 0.0013%; no homozygotes.

Submissions (2):

Labcorp Genetics (formerly Invitae), Labcorp
Classification: Uncertain significance. Last evaluated: 2025-04-28. Review status: criteria provided, single submitter. Criteria: Invitae Variant Classification Sherloc (09022015). Collection method: clinical testing. Allele origin: germline.
Comment: This sequence change replaces isoleucine, which is neutral and non-polar, with phenylalanine, which is neutral and non-polar, at codon 514 of the POLE protein (p.Ile514Phe). This variant is not present in population databases (gnomAD no frequency). This variant has not been reported in the literature in individuals affected with POLE-related conditions. ClinVar contains an entry for this variant (Variation ID: 938671). Invitae Evidence Modeling of protein sequence and biophysical properties (such as structural, functional, and spatial information, amino acid conservation, physicochemical variation, residue mobility, and thermodynamic stability) indicates that this missense variant is expected to disrupt POLE protein function with a positive predictive value of 80%. In summary, the available evidence is currently insufficient to determine the role of this variant in disease. Therefore, it has been classified as a Variant of Uncertain Significance.

Ambry Genetics
Classification: Uncertain significance for Hereditary cancer-predisposing syndrome. Last evaluated: 2024-01-06. Review status: criteria provided, single submitter. Criteria: Ambry Variant Classification Scheme 2023. Collection method: clinical testing. Allele origin: germline.
Comment: The p.I514F variant (also known as c.1540A>T), located in coding exon 15 of the POLE gene, results from an A to T substitution at nucleotide position 1540. The isoleucine at codon 514 is replaced by phenylalanine, an amino acid with highly similar properties. This amino acid position is conserved. In addition, the in silico prediction for this alteration is inconclusive. Since supporting evidence is limited at this time, the clinical significance of this alteration remains unclear.

NM_006231.4(POLE):c.1540A>T (p.Ile514Phe)

Gene: POLE (DNA polymerase epsilon, catalytic subunit; minus strand). Cytogenetic location: 12q24.33.
Variant type: single nucleotide variant.
Coding change: c.1540A>T on transcript NM_006231.4 (MANE Select); coding-DNA position 1540, A replaced by T.
Protein change: p.Ile514Phe; replaces isoleucine 514 with phenylalanine.
Molecular consequence: missense variant.
Genome position (GRCh38, 1-based): chr12:132,672,773, T>A on the plus strand (A>T on the coding strand, the complement: POLE is on the minus strand). VCF-style: chr12-132672773-T-A. GRCh37 (hg19) VCF-style: chr12-133249359-T-A.
Other names: c.1540A>T (NM_006231.2); short protein forms I514F.
Identifiers: ClinVar variation 938671 (VCV000938671.10), dbSNP rs1276309198, ClinGen allele CA387357266.